The following is an entry in ClinVar:

ClinVar aggregate classification (germline): Uncertain significance. Review status: criteria provided, multiple submitters, no conflicts (2 of 4 stars). 7 submissions from 7 submitters: Uncertain significance (7). Last evaluated 2025-12-13.

Conditions:
Facial dysmorphism-immunodeficiency-livedo-short stature syndrome. Also called: Facial dysmorphism, immunodeficiency, livedo, and short stature; FILS syndrome. Identifiers: Orphanet 352712, MedGen C3554576, MONDO:0014058, OMIM 615139.
Colorectal cancer, susceptibility to, 12 (CRCS12). Also called: COLORECTAL CANCER, SUSCEPTIBILITY TO, ON CHROMOSOME 12q24. Identifiers: Orphanet 220460, MedGen C3554460, MONDO:0014038, OMIM 615083.
Intrauterine growth retardation, metaphyseal dysplasia, adrenal hypoplasia congenita, genital anomalies, and immunodeficiency. Also called: IMAGEI SYNDROME. Identifiers: MedGen C5193036, MONDO:0032684, OMIM 618336.
Hereditary cancer-predisposing syndrome. Also called: Neoplastic Syndromes, Hereditary; Hereditary Cancer Syndrome; Hereditary neoplastic syndrome; Tumor predisposition. Identifiers: Orphanet 140162, MedGen C0027672, MeSH D009386, MONDO:0015356.

Allele frequency attached by ClinVar (database versions not stated): gnomAD exomes 0.00001; TOPMed 0.00001; ExAC 0.00002.
gnomAD v4.1: 22 of 1,614,180 alleles (0.0014%); highest among the groups gnomAD compares: Middle Eastern, 0.016%; no homozygotes.

Submissions (7):

Labcorp Genetics (formerly Invitae), Labcorp
Classification: Uncertain significance. Last evaluated: 2025-12-13. Review status: criteria provided, single submitter. Criteria: Invitae Variant Classification Sherloc (09022015). Collection method: clinical testing. Allele origin: germline.
Comment: This sequence change replaces arginine, which is basic and polar, with tryptophan, which is neutral and slightly polar, at codon 37 of the POLE protein (p.Arg37Trp). This variant is present in population databases (rs753101641, gnomAD 0.006%). This variant has not been reported in the literature in individuals affected with POLE-related conditions. ClinVar contains an entry for this variant (Variation ID: 540690). Invitae Evidence Modeling of protein sequence and biophysical properties (such as structural, functional, and spatial information, amino acid conservation, physicochemical variation, residue mobility, and thermodynamic stability) indicates that this missense variant is not expected to disrupt POLE protein function with a negative predictive value of 80%. In summary, the available evidence is currently insufficient to determine the role of this variant in disease. Therefore, it has been classified as a Variant of Uncertain Significance.

Ambry Genetics
Classification: Uncertain significance for Hereditary cancer-predisposing syndrome. Last evaluated: 2025-05-06. Review status: criteria provided, single submitter. Criteria: Ambry Variant Classification Scheme 2023. Collection method: clinical testing. Allele origin: germline.
Comment: The p.R37W variant (also known as c.109C>T), located in coding exon 2 of the POLE gene, results from a C to T substitution at nucleotide position 109. The arginine at codon 37 is replaced by tryptophan, an amino acid with dissimilar properties. This amino acid position is highly conserved in available vertebrate species. In addition, the in silico prediction for this alteration is inconclusive. Based on the available evidence, the clinical significance of this variant remains unclear.

Center for Genomic Medicine, Rigshospitalet, Copenhagen University Hospital
Classification: Uncertain significance. Last evaluated: 2025-03-04. Review status: criteria provided, single submitter. Criteria: ACMG Guidelines, 2015. Collection method: clinical testing. Allele origin: germline.

St. Jude Molecular Pathology, St. Jude Children's Research Hospital
Classification: Uncertain significance for Colorectal cancer, susceptibility to, 12. Last evaluated: 2024-01-23. Review status: criteria provided, single submitter. Criteria: St. Jude Assertion Criteria 2020. Collection method: clinical testing. Allele origin: germline.
Comment: The POLE c.109C>T (p.Arg37Trp) missense change has a maximum subpopulation frequency of 0.0065% in gnomAD v2.1.1. The in silico tool REVEL is inconclusive about a pathogenic or benign effect of this variant on protein function, and Functional studies have not been performed. This variant has not been reported in the literature in individuals with POLE-related disease. In summary, the evidence currently available is insufficient to determine the clinical significance of this variant. It has therefore been classified as of uncertain significance.

GeneDx
Classification: Uncertain significance. Last evaluated: 2021-11-30. Review status: criteria provided, single submitter. Criteria: GeneDx Variant Classification Process June 2021. Collection method: clinical testing. Allele origin: germline. Affected: yes.
Comment: Not observed at significant frequency in large population cohorts (Lek 2016); In silico analysis, which includes protein predictors and evolutionary conservation, supports a deleterious effect; Has not been previously published as pathogenic or benign to our knowledge

Fulgent Genetics
Classification: Uncertain significance for Colorectal cancer, susceptibility to, 12; Facial dysmorphism-immunodeficiency-livedo-short stature syndrome; Intrauterine growth retardation, metaphyseal dysplasia, adrenal hypoplasia congenita, genital anomalies, and immunodeficiency. Last evaluated: 2021-08-26. Review status: criteria provided, single submitter. Criteria: ACMG Guidelines, 2015. Collection method: clinical testing. Allele origin: unknown.

MGZ Medical Genetics Center
Classification: Uncertain significance for Colorectal cancer, susceptibility to, 12. Last evaluated: 2021-07-27. Review status: criteria provided, single submitter. Criteria: ACMG Guidelines, 2015. Collection method: clinical testing. Allele origin: germline. Affected: yes. Observed: 1 variant allele.
Comment: ACMG criteria applied: PM2_SUP, BP4

NM_006231.4(POLE):c.109C>T (p.Arg37Trp)

Gene: POLE (DNA polymerase epsilon, catalytic subunit; minus strand). Cytogenetic location: 12q24.33.
Variant type: single nucleotide variant.
Coding change: c.109C>T on transcript NM_006231.4 (MANE Select); coding-DNA position 109, C replaced by T.
Protein change: p.Arg37Trp; replaces arginine 37 with tryptophan.
Molecular consequence: missense variant.
Genome position (GRCh38, 1-based): chr12:132,681,233, G>A on the plus strand (C>T on the coding strand, the complement: POLE is on the minus strand). VCF-style: chr12-132681233-G-A. GRCh37 (hg19) VCF-style: chr12-133257819-G-A.
Other names: c.109C>T (NM_006231.2); short protein forms R37W.
Identifiers: ClinVar variation 540690 (VCV000540690.24), dbSNP rs753101641, ClinGen allele CA6894443.